The following is an entry in ClinVar:

NM_001371596.2(MFSD8):c.1403G>A (p.Gly468Glu)

Gene: MFSD8 (major facilitator superfamily domain containing 8; minus strand). Cytogenetic location: 4q28.2.
Variant type: single nucleotide variant.
Coding change: c.1403G>A on transcript NM_001371596.2 (MANE Select); coding-DNA position 1403, G replaced by A.
Protein change: p.Gly468Glu; replaces glycine 468 with glutamic acid.
Molecular consequence: missense variant.
Genome position (GRCh38, 1-based): chr4:127,920,784, C>T on the plus strand (G>A on the coding strand, the complement: MFSD8 is on the minus strand). VCF-style: chr4-127920784-C-T. GRCh37 (hg19) VCF-style: chr4-128841939-C-T.
Other names: c.1202G>A, p.Gly401Glu (NM_001363520.3); c.1088G>A, p.Gly363Glu (NM_001363521.3); c.1268G>A, p.Gly423Glu (NM_001371590.2); c.1412G>A, p.Gly471Glu (NM_001371591.2); c.1409G>A, p.Gly470Glu (NM_001371592.2); c.1289G>A, p.Gly430Glu (NM_001371593.2); c.1256G>A, p.Gly419Glu (NM_001371594.2); c.1121G>A, p.Gly374Glu (NM_001371595.1); and 3 more; short protein forms G468E, G363E, G401E, G374E, G419E, G423E, G430E, G470E.
Identifiers: ClinVar variation 586145 (VCV000586145.8), dbSNP rs1560715852, ClinGen allele CA358170767.

ClinVar aggregate classification (germline): Uncertain significance. Review status: criteria provided, multiple submitters, no conflicts (2 of 4 stars). 2 submissions from 2 submitters: Uncertain significance (2). Last evaluated 2022-01-21.

Conditions:
Neuronal ceroid lipofuscinosis 7 (CLN7). Also called: MFSD8-Related Neuronal Ceroid-Lipofuscinosis. Identifiers: Orphanet 168491, Orphanet 228366, MedGen C1838571, MONDO:0012588, OMIM 610951.

Submissions (2):

Labcorp Genetics (formerly Invitae), Labcorp
Classification: Uncertain significance for Neuronal ceroid lipofuscinosis 7. Last evaluated: 2022-01-21. Review status: criteria provided, single submitter. Criteria: Invitae Variant Classification Sherloc (09022015). Collection method: clinical testing. Allele origin: germline.
Comment: This sequence change replaces glycine, which is neutral and non-polar, with glutamic acid, which is acidic and polar, at codon 468 of the MFSD8 protein (p.Gly468Glu). In summary, the available evidence is currently insufficient to determine the role of this variant in disease. Therefore, it has been classified as a Variant of Uncertain Significance. Algorithms developed to predict the effect of missense changes on protein structure and function are either unavailable or do not agree on the potential impact of this missense change (SIFT: "Deleterious"; PolyPhen-2: "Probably Damaging"; Align-GVGD: "Class C15"). ClinVar contains an entry for this variant (Variation ID: 586145). This variant has not been reported in the literature in individuals affected with MFSD8-related conditions. This variant is not present in population databases (gnomAD no frequency).

Athena Diagnostics
Classification: Uncertain significance. Last evaluated: 2017-10-06. Review status: criteria provided, single submitter. Criteria: Athena Diagnostics Criteria. Collection method: clinical testing. Allele origin: germline.